The following is an entry in ClinVar:

NM_016938.5(EFEMP2):c.655A>G (p.Asn219Asp)

Gene: EFEMP2 (EGF containing fibulin extracellular matrix protein 2; minus strand). Cytogenetic location: 11q13.1.
Variant type: single nucleotide variant.
Coding change: c.655A>G on transcript NM_016938.5 (MANE Select); coding-DNA position 655, A replaced by G.
Protein change: p.Asn219Asp; replaces asparagine 219 with aspartic acid.
Molecular consequence: missense variant. On other transcripts: non-coding transcript variant (1).
Genome position (GRCh38, 1-based): chr11:65,869,929, T>C on the plus strand (A>G on the coding strand, the complement: EFEMP2 is on the minus strand). VCF-style: chr11-65869929-T-C. GRCh37 (hg19) VCF-style: chr11-65637400-T-C.
Other names: short protein forms N219D.
Identifiers: ClinVar variation 1754180 (VCV001754180.2), dbSNP rs2495577246, ClinGen allele CA381359289.
Genomic context (GRCh38, chr11:65,869,929, plus strand): 5'-AGCCATCCCGATGCAGCTCATAGCCCTGGTGGCAGCGACACAGGAAGGTCCCATAGGAGT[T>C]GAAGCAGCGCTGCTCGCATGGGGCCCCCATGTCACACTCGTTCACATCTGGGGGTGCCAG-3'
Protein context (NP_058634.4, residues 209-229): MGAPCEQRCF[Asn219Asp]SYGTFLCRCH

ClinVar aggregate classification (germline): Uncertain significance (1 of 4 stars; one submission).

Conditions:
Cardiovascular phenotype. Identifiers: MedGen CN230736.

Submission:

Ambry Genetics
Classification: Uncertain significance for Cardiovascular phenotype. Last evaluated: 2019-06-10. Review status: criteria provided, single submitter. Criteria: Ambry Variant Classification Scheme 2023. Collection method: clinical testing. Allele origin: germline.
Comment: The p.N219D variant (also known as c.655A>G), located in coding exon 6 of the EFEMP2 gene, results from an A to G substitution at nucleotide position 655. The asparagine at codon 219 is replaced by aspartic acid, an amino acid with highly similar properties. This amino acid position is highly conserved in available vertebrate species. In addition, the in silico prediction for this alteration is inconclusive. Since supporting evidence is limited at this time, the clinical significance of this alteration remains unclear.